The following is an entry in ClinVar:

ClinVar aggregate classification (germline): Uncertain significance. Review status: criteria provided, multiple submitters, no conflicts (2 of 4 stars). 3 submissions from 3 submitters: Uncertain significance (2). 1 of the submissions does not count toward it. Last evaluated 2022-02-17.

Conditions:
Bardet-Biedl syndrome 1 (BBS1). Identifiers: MedGen C2936862, MONDO:0008854, OMIM 209900. Disease mechanism: loss of function.
Bardet-Biedl syndrome (BBS). Identifiers: Orphanet 110, MedGen C0752166, MONDO:0015229.

Allele frequency attached by ClinVar (database versions not stated): gnomAD exomes 0.00001 and below 0.00001; TOPMed below 0.00001.
gnomAD v4.1: 6 of 1,614,144 alleles (0.00037%); highest among the groups gnomAD compares: Admixed American, 0.0017%; no homozygotes.

Submissions (3):

Labcorp Genetics (formerly Invitae), Labcorp
Classification: Uncertain significance for Bardet-Biedl syndrome. Last evaluated: 2022-02-17. Review status: criteria provided, single submitter. Criteria: Invitae Variant Classification Sherloc (09022015). Collection method: clinical testing. Allele origin: germline.
Comment: This sequence change replaces valine, which is neutral and non-polar, with leucine, which is neutral and non-polar, at codon 304 of the BBS1 protein (p.Val304Leu). This variant is present in population databases (no rsID available, gnomAD 0.003%). This variant has not been reported in the literature in individuals affected with BBS1-related conditions. ClinVar contains an entry for this variant (Variation ID: 1051033). Algorithms developed to predict the effect of missense changes on protein structure and function (SIFT, PolyPhen-2, Align-GVGD) all suggest that this variant is likely to be tolerated. In summary, the available evidence is currently insufficient to determine the role of this variant in disease. Therefore, it has been classified as a Variant of Uncertain Significance.

Fulgent Genetics
Classification: Uncertain significance for Bardet-Biedl syndrome 1. Last evaluated: 2021-11-27. Review status: criteria provided, single submitter. Criteria: ACMG Guidelines, 2015. Collection method: clinical testing. Allele origin: unknown.

Natera, Inc.
Classification: Uncertain significance for Bardet-Biedl syndrome type 1. Last evaluated: 2020-02-01. Review status: no assertion criteria provided. Collection method: clinical testing. Allele origin: germline. Not counted in ClinVar's aggregate classification.

NM_024649.5(BBS1):c.910G>T (p.Val304Leu)

Genes: BBS1 (Bardet-Biedl syndrome 1; plus strand), ZDHHC24 (zDHHC palmitoyltransferase 24; minus strand). Cytogenetic location: 11q13.2.
Variant type: single nucleotide variant.
Coding change: c.910G>T on transcript NM_024649.5 (MANE Select); coding-DNA position 910, G replaced by T.
Protein change: p.Val304Leu; replaces valine 304 with leucine.
Molecular consequence: missense variant. On other transcripts: intron variant (1).
Genome position (GRCh38, 1-based): chr11:66,523,535, G>T. VCF-style: chr11-66523535-G-T. GRCh37 (hg19) VCF-style: chr11-66291006-G-T.
Other names: c.*22-2069C>A (NM_001348571.2); short protein forms V304L.
Identifiers: ClinVar variation 1051033 (VCV001051033.47), dbSNP rs1228755309, ClinGen allele CA381461691.